The following is an entry in ClinVar:

NM_004526.4(MCM2):c.48G>T (p.Gln16His)

Gene: MCM2 (minichromosome maintenance complex component 2; plus strand). Cytogenetic location: 3q21.3.
Variant type: single nucleotide variant.
Coding change: c.48G>T on transcript NM_004526.4 (MANE Select); coding-DNA position 48, G replaced by T.
Protein change: p.Gln16His; replaces glutamine 16 with histidine.
Molecular consequence: missense variant. On other transcripts: non-coding transcript variant (1).
Genome position (GRCh38, 1-based): chr3:127,599,359, G>T. VCF-style: chr3-127599359-G-T. GRCh37 (hg19) VCF-style: chr3-127318202-G-T.
Other names: short protein forms Q16H.
Identifiers: ClinVar variation 1346217 (VCV001346217.8), dbSNP rs1444746944, ClinGen allele CA354380191.

ClinVar aggregate classification (germline): Uncertain significance (1 of 4 stars; one submission).

Allele frequency attached by ClinVar (database versions not stated): gnomAD 0.00001; TOPMed 0.00001.

Submission:

Labcorp Genetics (formerly Invitae), Labcorp
Classification: Uncertain significance. Last evaluated: 2021-04-17. Review status: criteria provided, single submitter. Criteria: Invitae Variant Classification Sherloc (09022015). Collection method: clinical testing. Allele origin: germline.
Comment: In summary, the available evidence is currently insufficient to determine the role of this variant in disease. Therefore, it has been classified as a Variant of Uncertain Significance. Algorithms developed to predict the effect of missense changes on protein structure and function (SIFT, PolyPhen-2, Align-GVGD) all suggest that this variant is likely to be tolerated, but these predictions have not been confirmed by published functional studies and their clinical significance is uncertain. This variant has not been reported in the literature in individuals with MCM2-related conditions. This variant is not present in population databases (ExAC no frequency). This sequence change replaces glutamine with histidine at codon 16 of the MCM2 protein (p.Gln16His). The glutamine residue is weakly conserved and there is a small physicochemical difference between glutamine and histidine.